The following is an entry in ClinVar:

NM_020937.4(FANCM):c.3872G>T (p.Ser1291Ile)

Gene: FANCM (FA complementation group M; plus strand). Cytogenetic location: 14q21.2.
Variant type: single nucleotide variant.
Coding change: c.3872G>T on transcript NM_020937.4 (MANE Select); coding-DNA position 3872, G replaced by T.
Protein change: p.Ser1291Ile; replaces serine 1291 with isoleucine.
Molecular consequence: missense variant.
Genome position (GRCh38, 1-based): chr14:45,176,626, G>T. VCF-style: chr14-45176626-G-T. GRCh37 (hg19) VCF-style: chr14-45645829-G-T.
Other names: c.3794G>T, p.Ser1265Ile (NM_001308133.2); short protein forms S1265I, S1291I.
Identifiers: ClinVar variation 3512882 (VCV003512882.1).

ClinVar aggregate classification (germline): Uncertain significance (1 of 4 stars; one submission).

Conditions:
Inborn genetic diseases. Identifiers: MedGen C0950123, MeSH D030342.

Submission:

Ambry Genetics
Classification: Uncertain significance for Inborn genetic diseases. Last evaluated: 2024-10-02. Review status: criteria provided, single submitter. Criteria: Ambry Variant Classification Scheme 2023. Collection method: clinical testing. Allele origin: germline.
Comment: The p.S1291I variant (also known as c.3872G>T), located in coding exon 14 of the FANCM gene, results from a G to T substitution at nucleotide position 3872. The serine at codon 1291 is replaced by isoleucine, an amino acid with dissimilar properties. This amino acid position is conserved. In addition, this alteration is predicted to be tolerated by in silico analysis. Based on the available evidence, the clinical significance of this variant remains unclear.